The following is an entry in ClinVar:

NM_001110556.2(FLNA):c.2330C>G (p.Pro777Arg)

Gene: FLNA (filamin A; minus strand). Cytogenetic location: Xq28.
Variant type: single nucleotide variant.
Coding change: c.2330C>G on transcript NM_001110556.2 (MANE Select); coding-DNA position 2330, C replaced by G.
Protein change: p.Pro777Arg; replaces proline 777 with arginine.
Molecular consequence: missense variant.
Genome position (GRCh38, 1-based): chrX:154,362,735, G>C on the plus strand (C>G on the coding strand, the complement: FLNA is on the minus strand). VCF-style: chrX-154362735-G-C. GRCh37 (hg19) VCF-style: chrX-153591103-G-C.
Other names: p.P777R:CCC>CGC; c.2330C>G, p.Pro777Arg (NM_001456.4); short protein forms P777R.
Identifiers: ClinVar variation 213501 (VCV000213501.2), dbSNP rs863223637, ClinGen allele CA322832.

ClinVar aggregate classification (germline): Uncertain significance (1 of 4 stars; one submission).

Submission:

GeneDx
Classification: Uncertain significance. Last evaluated: 2015-06-16. Review status: criteria provided, single submitter. Criteria: GeneDx Variant Classification (06012015). Collection method: clinical testing. Allele origin: germline. Affected: yes.
Comment: The P777R variant has not been published as a mutation, nor has it been reported as a benign polymorphism to our knowledge. The P777R variant was not observed in approximately 6,200 individuals of European and African American ancestry in the NHLBI Exome Sequencing Project, indicating it is not a common benign variant in these populations. The P777R variant is a non-conservative amino acid substitution, which is likely to impact secondary protein structure as these residues differ in polarity, charge, size and/or other properties. This substitution occurs at a position that is conserved across species and in silico analysis predicts this variant is probably damaging to the protein structure/function. However, missense mutations in nearby residues have not been reported, indicating this region of the protein may be tolerant of change. This variant was found in TAADV2-WO-FBN1-PANCARD